The following is an entry in ClinVar:

ClinVar aggregate classification (germline): Benign. Review status: criteria provided, multiple submitters, no conflicts (2 of 4 stars). 4 submissions from 4 submitters: Benign (3). 1 of the submissions does not count toward it. Last evaluated 2020-08-07.

Conditions:
POLQ-related disorder. Also called: POLQ-related condition.

Allele frequency attached by ClinVar (database versions not stated): gnomAD exomes 0.00228; ExAC 0.00272; gnomAD 0.00912 and 0.00983; 1000 Genomes Project 0.00919; 1000 Genomes Project 30x 0.00921; ESP Exome Variant Server 0.01023; TOPMed 0.01035.
gnomAD v4.1: 2,814 of 1,613,396 alleles (0.17%); highest among the groups gnomAD compares: African/African-American, 3.2%; 47 homozygotes.

Submissions (4):

Department of Pathology and Laboratory Medicine, Sinai Health System
Classification: Benign for POLQ-related disorder. Last evaluated: 2020-08-07. Review status: criteria provided, single submitter. Criteria: ACMG Guidelines, 2015. Collection method: research. Allele origin: germline.

Labcorp Genetics (formerly Invitae), Labcorp
Classification: Benign. Last evaluated: 2019-12-31. Review status: criteria provided, single submitter. Criteria: Invitae Variant Classification Sherloc (09022015). Collection method: clinical testing. Allele origin: germline.

Breakthrough Genomics
Classification: Benign. Review status: criteria provided, single submitter. Criteria: ACMG Guidelines, 2015. Collection method: not provided. Allele origin: germline. Inheritance: Unknown mechanism. Affected: yes.

PreventionGenetics, part of Exact Sciences
Classification: Benign for POLQ-related condition. Last evaluated: 2019-05-02. Review status: no assertion criteria provided. Collection method: clinical testing. Allele origin: germline. Not counted in ClinVar's aggregate classification.
Comment: This variant is classified as benign based on ACMG/AMP sequence variant interpretation guidelines (Richards et al. 2015 PMID: 25741868, with internal and published modifications).

NM_199420.4(POLQ):c.1546C>T (p.Arg516Cys)

Gene: POLQ (DNA polymerase theta; minus strand). Cytogenetic location: 3q13.33.
Variant type: single nucleotide variant.
Coding change: c.1546C>T on transcript NM_199420.4 (MANE Select); coding-DNA position 1546, C replaced by T.
Protein change: p.Arg516Cys; replaces arginine 516 with cysteine.
Molecular consequence: missense variant.
Genome position (GRCh38, 1-based): chr3:121,511,952, G>A on the plus strand (C>T on the coding strand, the complement: POLQ is on the minus strand). VCF-style: chr3-121511952-G-A. GRCh37 (hg19) VCF-style: chr3-121230799-G-A.
Other names: short protein forms R516C.
Identifiers: ClinVar variation 780894 (VCV000780894.8), dbSNP rs34624267, ClinGen allele CA2563509.